The following is an entry in ClinVar:

ClinVar aggregate classification (germline): Uncertain significance (1 of 4 stars; one submission).

Conditions:
Familial cancer of breast. Also called: Hereditary breast cancer; hereditary breast carcinoma; BREAST CANCER, FAMILIAL. Identifiers: Orphanet 227535, MedGen C0346153, MONDO:0016419, OMIM 114480. Disease mechanism: loss of function.

gnomAD v4.1: 2 of 1,613,570 alleles (0.00012%); no homozygotes.

Submission:

Labcorp Genetics (formerly Invitae), Labcorp
Classification: Uncertain significance for Familial cancer of breast. Last evaluated: 2024-09-21. Review status: criteria provided, single submitter. Criteria: Invitae Variant Classification Sherloc (09022015). Collection method: clinical testing. Allele origin: germline.
Comment: This sequence change replaces glycine, which is neutral and non-polar, with cysteine, which is neutral and slightly polar, at codon 37 of the CHEK2 protein (p.Gly37Cys). This variant is not present in population databases (gnomAD no frequency). This variant has not been reported in the literature in individuals affected with CHEK2-related conditions. An algorithm developed to predict the effect of missense changes on protein structure and function (PolyPhen-2) suggests that this variant is likely to be disruptive. In summary, the available evidence is currently insufficient to determine the role of this variant in disease. Therefore, it has been classified as a Variant of Uncertain Significance.

NM_007194.4(CHEK2):c.109G>T (p.Gly37Cys)

Gene: CHEK2 (checkpoint kinase 2; minus strand). Cytogenetic location: 22q12.1.
Variant type: single nucleotide variant.
Coding change: c.109G>T on transcript NM_007194.4 (MANE Select); coding-DNA position 109, G replaced by T.
Protein change: p.Gly37Cys; replaces glycine 37 with cysteine.
Molecular consequence: missense variant.
Genome position (GRCh38, 1-based): chr22:28,734,613, C>A on the plus strand (G>T on the coding strand, the complement: CHEK2 is on the minus strand). VCF-style: chr22-28734613-C-A. GRCh37 (hg19) VCF-style: chr22-29130601-C-A.
Other names: c.109G>T, p.Gly37Cys (NM_001005735.3, NM_001349956.3, NM_145862.3); c.-669G>T (NM_001257387.3); short protein forms G37C.
Identifiers: ClinVar variation 3626734 (VCV003626734.2).